The following is an entry in ClinVar:

NM_006164.5(NFE2L2):c.427C>G (p.Leu143Val)

Gene: NFE2L2 (NFE2 like bZIP transcription factor 2; minus strand). Cytogenetic location: 2q31.2.
Variant type: single nucleotide variant.
Coding change: c.427C>G on transcript NM_006164.5 (MANE Select); coding-DNA position 427, C replaced by G.
Protein change: p.Leu143Val; replaces leucine 143 with valine.
Molecular consequence: missense variant.
Genome position (GRCh38, 1-based): chr2:177,232,559, G>C on the plus strand (C>G on the coding strand, the complement: NFE2L2 is on the minus strand). VCF-style: chr2-177232559-G-C. GRCh37 (hg19) VCF-style: chr2-178097287-G-C.
Other names: c.379C>G, p.Leu127Val (NM_001145412.3, NM_001313900.1, NM_001313901.1); c.358C>G, p.Leu120Val (NM_001145413.3); c.337C>G, p.Leu113Val (NM_001313902.2); c.208C>G, p.Leu70Val (NM_001313903.2); c.127C>G, p.Leu43Val (NM_001313904.1); short protein forms L113V, L127V, L143V, L120V, L43V, L70V.
Identifiers: ClinVar variation 1370254 (VCV001370254.6), dbSNP rs1689593013, ClinGen allele CA349376921.
Genomic context (GRCh38, chr2:177,232,559, plus strand): 5'-GAGCCTGATTAGTAGCAATGAAGACTGGGCTCTCGATGTGACCGGGAATATCAGGAACAA[G>C]TGACTGAAACGTAGCCGAAGAAACCTAAAATTGATAAGGCATTGATTTATGAGTCTTCCA-3'
Protein context (NP_006155.2, residues 133-153): NEVSSATFQS[Leu143Val]VPDIPGHIES

ClinVar aggregate classification (germline): Uncertain significance (1 of 4 stars; one submission).

Allele frequency attached by ClinVar (database versions not stated): gnomAD exomes below 0.00001.
gnomAD v4.1: 2 of 1,614,010 alleles (0.00012%); highest among the groups gnomAD compares: Non-Finnish European, 0.00017%; no homozygotes.

Submission:

Labcorp Genetics (formerly Invitae), Labcorp
Classification: Uncertain significance. Last evaluated: 2022-09-01. Review status: criteria provided, single submitter. Criteria: Invitae Variant Classification Sherloc (09022015). Collection method: clinical testing. Allele origin: germline.
Comment: This variant is not present in population databases (gnomAD no frequency). This sequence change replaces leucine, which is neutral and non-polar, with valine, which is neutral and non-polar, at codon 143 of the NFE2L2 protein (p.Leu143Val). In summary, the available evidence is currently insufficient to determine the role of this variant in disease. Therefore, it has been classified as a Variant of Uncertain Significance. Algorithms developed to predict the effect of missense changes on protein structure and function (SIFT, PolyPhen-2, Align-GVGD) all suggest that this variant is likely to be tolerated. ClinVar contains an entry for this variant (Variation ID: 1370254). This variant has not been reported in the literature in individuals affected with NFE2L2-related conditions.